The following is an entry in ClinVar:

ClinVar aggregate classification (germline): Conflicting classifications of pathogenicity. Review status: criteria provided, conflicting classifications (1 of 4 stars). 21 submissions from 21 submitters: Uncertain significance (11); Likely benign (8). 2 of the submissions do not count toward it. Last evaluated 2026-06-22.

Conditions:
MSH6-related disorder. Also called: MSH6-related condition; MSH6-Related disorders.
Hereditary nonpolyposis colorectal neoplasms. Identifiers: MedGen C0009405, MeSH D003123.
Hereditary cancer. Identifiers: MedGen C1333600.
Hereditary cancer-predisposing syndrome. Also called: Hereditary Cancer Syndrome; Tumor predisposition; Neoplastic Syndromes, Hereditary; Hereditary neoplastic syndrome. Identifiers: Orphanet 140162, MedGen C0027672, MeSH D009386, MONDO:0015356.
Lynch syndrome. Identifiers: Orphanet 144, MedGen C4552100, MONDO:0005835. Disease mechanism: loss of function.
Lynch syndrome 5 (LYNCH5). Also called: Hereditary non-polyposis colorectal cancer, type 5; Colorectal cancer, hereditary nonpolyposis, type 5. Identifiers: Orphanet 144, MedGen C1833477, MONDO:0013710, OMIM 614350. Disease mechanism: loss of function.

Allele frequency attached by ClinVar (database versions not stated): gnomAD exomes 0.00009 and 0.00018; ExAC 0.00010; gnomAD 0.00011 and 0.00014; TOPMed 0.00013.
gnomAD v4.1: 273 of 1,614,072 alleles (0.017%); highest among the groups gnomAD compares: Non-Finnish European, 0.022%; no homozygotes.

Submissions 1 to 12 of 21:

Women's Health and Genetics/Laboratory Corporation of America, LabCorp
Classification: Likely benign. Last evaluated: 2026-06-22. Review status: criteria provided, single submitter. Criteria: LabCorp Variant Classification Summary - May 2015. Collection method: clinical testing. Allele origin: germline.
Comment: Variant summary: MSH6 c.884A>G (p.Lys295Arg) results in a conservative amino acid change in the encoded protein sequence. Algorithms developed to predict the effect of missense changes on protein structure and function are either unavailable or do not agree on the potential impact of this missense change. The variant allele was found at a frequency of 9.2e-05 in 251246 control chromosomes, predominantly at a frequency of 0.00019 within the Non-Finnish European subpopulation in the gnomAD database. The observed variant frequency within Non-Finnish European control individuals in the gnomAD database exceeds the estimated maximal expected allele frequency for disease-causing variants in MSH6. c.884A>G has been observed in individual(s) affected with MSH6-related conditions without strong evidence for causality (Lu_2015, Shirts_2015, Pal_2012, Nilbert_2009, Colley_2005, VanMarcke_2020). These report(s) do not provide unequivocal conclusions about association of the variant with disease. At least one publication reports experimental evidence evaluating an impact on protein function (Gassman_2011). These results showed no damaging effect of this variant. The following publications have been ascertained in the context of this evaluation (PMID: 16010685, 21437237, 32809219, 30584090, 26689913, 18566915, 26333163, 23047549, 26845104, 23621914, 32295625). ClinVar contains an entry for this variant (Variation ID: 89573). Based on the evidence outlined above, the variant was classified as likely benign.

PreventionGenetics, part of Exact Sciences
Classification: Likely benign for MSH6-related condition. Last evaluated: 2026-04-02. Review status: criteria provided, single submitter. Criteria: ACMG Guidelines, 2015. Collection method: clinical testing. Allele origin: germline.
Comment: This variant is classified as likely benign based on ACMG/AMP sequence variant interpretation guidelines (Richards et al. 2015 PMID: 25741868, with internal and published modifications).

Labcorp Genetics (formerly Invitae), Labcorp
Classification: Likely benign for Hereditary nonpolyposis colorectal neoplasms. Last evaluated: 2026-01-28. Review status: criteria provided, single submitter. Criteria: Invitae Variant Classification Sherloc (09022015). Collection method: clinical testing. Allele origin: germline.

Center for Genomic Medicine, Rigshospitalet, Copenhagen University Hospital
Classification: Uncertain significance. Last evaluated: 2025-12-29. Review status: criteria provided, single submitter. Criteria: ACMG Guidelines, 2015. Collection method: clinical testing. Allele origin: germline.

Department of Clinical Genetics, Copenhagen University Hospital, Rigshospitalet
Classification: Uncertain significance for Lynch syndrome. Last evaluated: 2025-12-10. Review status: criteria provided, single submitter. Criteria: ACMG Guidelines, 2015. Collection method: clinical testing. Allele origin: germline.
Comment: The following ACMG criteria has been used: BP4 (MAPP/PP2 combined score : 0.03).

Molecular Diagnostics Laboratory, Catalan Institute of Oncology
Classification: Uncertain significance for Hereditary cancer-predisposing syndrome. Last evaluated: 2025-02-23. Review status: criteria provided, single submitter. Criteria: MMR VCEP Paper Draft V3.1. Collection method: clinical testing. Allele origin: germline.
Comment: c.884A>G, located in exon 4 of the MSH6 gene, is predicted to result in the substitution of lysine by arginine at codon 295, p.(Lys295Arg). This variant is found in 25/268180 alleles at a frequency of 0.009% in the gnomAD v2.1.1 database, non-cancer dataset. To our knowledge, neither relevant clinical data nor well-established functional studies have been reported for this variant. Localization assays show that MSH6 localization is nuclear, but its proficiency in mismatch repair activity has not been evaluated (PMID:21437237). The SpliceAI algorithm predicts no significant impact on splicing. Computational tools for this variant predict an indeterminate effect on protein function (MAPP+PolyPhen-2 prior probability for pathogenicity: 0.342). This variant has been reported in the ClinVar database (9x uncertain significance, 7x likely benign) and in LOVD (8x uncertain significance), and it has been classified as uncertain significance by InSiGHT. Based on currently available information, the variant c.884A>G should be considered an uncertain significance variant according to MMR specific InSIGHT Guidelines, Draft v3.1.

Myriad Genetics, Inc.
Classification: Likely benign for Lynch syndrome 5. Last evaluated: 2024-12-20. Review status: criteria provided, single submitter. Criteria: Myriad Autosomal Dominant, Autosomal Recessive and X-Linked Classification Criteria (2023). Collection method: clinical testing. Allele origin: unknown.
Comment: This variant is considered likely benign. This variant is strongly associated with less severe personal and family histories of cancer, typical for individuals without pathogenic variants in this gene [PMID: 27363726].

Color Diagnostics, LLC DBA Color Health
Classification: Uncertain significance for Hereditary cancer-predisposing syndrome. Last evaluated: 2024-10-10. Review status: criteria provided, single submitter. Criteria: ACMG Guidelines, 2015. Collection method: clinical testing. Allele origin: germline.
Comment: This missense variant replaces lysine with arginine at codon 295 of the MSH6 protein. Computational prediction suggests that this variant may not impact protein structure and function (internally defined REVEL score threshold <= 0.5, PMID: 27666373). To our knowledge, functional studies have not been reported for this variant. This variant has been reported in individuals affected with ovarian cancer (PMID: 23047549, 30584090, 32809219), as well as a Danish Lynch syndrome family (PMID: 18566915). This variant has been identified in 26/282656 chromosomes in the general population by the Genome Aggregation Database (gnomAD). The available evidence is insufficient to determine the role of this variant in disease conclusively. Therefore, this variant is classified as a Variant of Uncertain Significance.

Mendelics
Classification: Likely benign for Hereditary cancer. Last evaluated: 2024-09-11. Review status: criteria provided, single submitter. Criteria: ACMG Guidelines, 2015. Collection method: clinical testing. Allele origin: unknown.
Comment: This variant is considered likely benign or benign based on one or more of the following: it is predicted to be benign by multiple in silico algorithms, and/or has population frequency not consistent with disease, and/or has normal protein function, and/or has lack of segregation with disease, and/or has been detected in co-occurrence with known pathogenic variant, and/or has lack of disease association in case-control studies, and/or is located in a region inconsistent with a known cause of pathogenicity.

Quest Diagnostics Nichols Institute San Juan Capistrano
Classification: Uncertain significance. Last evaluated: 2024-08-21. Review status: criteria provided, single submitter. Criteria: Quest Diagnostics criteria. Collection method: clinical testing. Allele origin: unknown.
Comment: The MSH6 c.884A>G (p.Lys295Arg) variant has been reported in the published literature in individuals affected with colorectal cancer (PMIDs: 16010685 (2005), 18566915 (2009), 26845104 (2016), 39004446 (2024)), ovarian cancer (PMIDs: 23047549 (2012), 26689913 (2015)), and uterine cancer (PMID: 34326862 (2021)). This variant has also been reported in affected and reportedly healthy individuals in a large-scale breast cancer association study (PMID: 33471991 (2021), see also LOVD). One functional study reported this variant to have no effect on MSH6 nuclear localization (PMID: 21437237 (2011)), however, further studies are necessary to determine the effect of this variant on other MSH6 protein functions. The frequency of this variant in the general population, 0.00018 (23/129030 chromosomes (Genome Aggregation Database)), is uninformative in the assessment of its pathogenicity. Analysis of this variant using bioinformatics tools for the prediction of the effect of amino acid changes on protein structure and function yielded conflicting predictions that this variant is benign or damaging. Based on the available information, we are unable to determine the clinical significance of this variant.

Blueprint Genetics
Classification: Likely benign. Last evaluated: 2024-06-28. Review status: criteria provided, single submitter. Criteria: ACMG Guidelines, 2015. Collection method: clinical testing. Allele origin: germline.

Molecular Pathology, Peter Maccallum Cancer Centre
Classification: Uncertain significance for Lynch syndrome 5. Last evaluated: 2024-05-30. Review status: criteria provided, single submitter. Criteria: ACMG Guidelines, 2015. Collection method: clinical testing. Allele origin: germline. Inheritance: Autosomal dominant inheritance.

NM_000179.3(MSH6):c.884A>G (p.Lys295Arg)

Gene: MSH6 (mutS homolog 6; plus strand). Cytogenetic location: 2p16.3.
Variant type: single nucleotide variant.
Coding change: c.884A>G on transcript NM_000179.3 (MANE Select); coding-DNA position 884, A replaced by G.
Protein change: p.Lys295Arg; replaces lysine 295 with arginine.
Molecular consequence: missense variant. On other transcripts: 5 prime UTR variant (2).
Genome position (GRCh38, 1-based): chr2:47,798,867, A>G. VCF-style: chr2-47798867-A-G. GRCh37 (hg19) VCF-style: chr2-48026006-A-G.
Other names: p.K295R:AAA>AGA; c.494A>G, p.Lys165Arg (NM_001281492.2); c.-23A>G (NM_001281493.2, NM_001281494.2); short protein forms K295R, K165R.
Identifiers: ClinVar variation 89573 (VCV000089573.97), dbSNP rs267608051, ClinGen allele CA016588.